The following is an entry in ClinVar:

ClinVar aggregate classification (germline): Uncertain significance (0 of 4 stars; one submission).

Conditions:
RET-related disorder. Also called: RET-related disorders; RET-related condition; RET-related disease.

Submission:

PreventionGenetics, part of Exact Sciences
Classification: Uncertain significance for RET-related condition. Last evaluated: 2024-03-08. Review status: no assertion criteria provided. Collection method: clinical testing. Allele origin: germline.
Comment: The RET c.2909T>C variant is predicted to result in the amino acid substitution p.Met970Thr. To our knowledge, this variant has not been reported in the literature or in a large population database, indicating this variant is rare. At this time, the clinical significance of this variant is uncertain due to the absence of conclusive functional and genetic evidence.

NM_020975.6(RET):c.2909T>C (p.Met970Thr)

Gene: RET (ret proto-oncogene; plus strand). Cytogenetic location: 10q11.21.
Variant type: single nucleotide variant.
Coding change: c.2909T>C on transcript NM_020975.6 (MANE Select); coding-DNA position 2909, T replaced by C.
Protein change: p.Met970Thr; replaces methionine 970 with threonine.
Molecular consequence: missense variant.
Genome position (GRCh38, 1-based): chr10:43,123,778, T>C. VCF-style: chr10-43123778-T-C. GRCh37 (hg19) VCF-style: chr10-43619226-T-C.
Other names: c.2147T>C, p.Met716Thr (NM_001355216.2); c.2909T>C, p.Met970Thr (NM_001406743.1, NM_001406744.1, NM_001406759.1 and 2 more transcripts); c.2780T>C, p.Met927Thr (NM_001406761.1, NM_001406762.1, NM_001406764.1); c.2774T>C, p.Met925Thr (NM_001406763.1, NM_001406765.1); c.2621T>C, p.Met874Thr (NM_001406766.1, NM_001406767.1, NM_001406770.1); c.2645T>C, p.Met882Thr (NM_001406768.1); c.2513T>C, p.Met838Thr (NM_001406769.1, NM_001406772.1); c.2471T>C, p.Met824Thr (NM_001406771.1, NM_001406773.1); and 10 more; short protein forms M487T, M535T, M575T, M626T, M628T, M631T, M640T, M671T.
Identifiers: ClinVar variation 3349751 (VCV003349751.1).